The following is an entry in ClinVar:

ClinVar aggregate classification (germline): Uncertain significance (1 of 4 stars; one submission).

Conditions:
Familial thoracic aortic aneurysm and aortic dissection (TAAD). Also called: Thoracic aortic aneurysms and dissections. Identifiers: Orphanet 91387, MedGen C4707243, MONDO:0019625.

Submission:

Ambry Genetics
Classification: Uncertain significance for Familial thoracic aortic aneurysm and aortic dissection. Last evaluated: 2025-09-30. Review status: criteria provided, single submitter. Criteria: Ambry Variant Classification Scheme 2023. Collection method: clinical testing. Allele origin: germline.
Comment: The p.A447G variant (also known as c.1340C>G), located in coding exon 3 of the SLC2A10 gene, results from a C to G substitution at nucleotide position 1340. The alanine at codon 447 is replaced by glycine, an amino acid with similar properties. This amino acid position is highly conserved in available vertebrate species. In addition, the in silico prediction for this alteration is inconclusive. Based on the available evidence, the clinical significance of this variant remains unclear.

NM_030777.4(SLC2A10):c.1340C>G (p.Ala447Gly)

Gene: SLC2A10 (solute carrier family 2 member 10; plus strand). Cytogenetic location: 20q13.12.
Variant type: single nucleotide variant.
Coding change: c.1340C>G on transcript NM_030777.4 (MANE Select); coding-DNA position 1340, C replaced by G.
Protein change: p.Ala447Gly; replaces alanine 447 with glycine.
Molecular consequence: missense variant.
Genome position (GRCh38, 1-based): chr20:46,726,915, C>G. VCF-style: chr20-46726915-C-G. GRCh37 (hg19) VCF-style: chr20-45355554-C-G.
Other names: short protein forms A447G.
Identifiers: ClinVar variation 4635552 (VCV004635552.1).
Genomic context (GRCh38, chr20:46,726,915, plus strand): 5'-CCACCCTAGTGACCTGGCTTGTCCTCAGCGAGATCTACCCTGTGGAGATACGAGGAAGAG[C>G]CTTCGCCTTCTGCAACAGCTTCAACTGGGCGGCCAACCTCTTCATCAGCCTCTCCTTCCT-3'
Protein context (NP_110404.1, residues 437-457): EIYPVEIRGR[Ala447Gly]FAFCNSFNWA